The following is an entry in ClinVar:

ClinVar aggregate classification (germline): Uncertain significance (1 of 4 stars; one submission).

Allele frequency attached by ClinVar (database versions not stated): gnomAD exomes 0.00002; ExAC 0.00003.
gnomAD v4.1: 16 of 1,609,508 alleles (0.00099%); highest among the groups gnomAD compares: Admixed American, 0.005%; no homozygotes.

Submission:

Labcorp Genetics (formerly Invitae), Labcorp
Classification: Uncertain significance. Last evaluated: 2022-09-19. Review status: criteria provided, single submitter. Criteria: Invitae Variant Classification Sherloc (09022015). Collection method: clinical testing. Allele origin: germline.
Comment: In summary, the available evidence is currently insufficient to determine the role of this variant in disease. Therefore, it has been classified as a Variant of Uncertain Significance. Advanced modeling of protein sequence and biophysical properties (such as structural, functional, and spatial information, amino acid conservation, physicochemical variation, residue mobility, and thermodynamic stability) performed at Invitae indicates that this missense variant is expected to disrupt IHH protein function. This sequence change replaces arginine, which is basic and polar, with histidine, which is basic and polar, at codon 316 of the IHH protein (p.Arg316His). This variant is present in population databases (rs745408084, gnomAD 0.007%). ClinVar contains an entry for this variant (Variation ID: 1464244). This variant has not been reported in the literature in individuals affected with IHH-related conditions.

NM_002181.4(IHH):c.947G>A (p.Arg316His)

Gene: IHH (Indian hedgehog signaling molecule; minus strand). Cytogenetic location: 2q35.
Variant type: single nucleotide variant.
Coding change: c.947G>A on transcript NM_002181.4 (MANE Select); coding-DNA position 947, G replaced by A.
Protein change: p.Arg316His; replaces arginine 316 with histidine.
Molecular consequence: missense variant.
Genome position (GRCh38, 1-based): chr2:219,055,496, C>T on the plus strand (G>A on the coding strand, the complement: IHH is on the minus strand). VCF-style: chr2-219055496-C-T. GRCh37 (hg19) VCF-style: chr2-219920218-C-T.
Other names: short protein forms R316H.
Identifiers: ClinVar variation 1464244 (VCV001464244.6), dbSNP rs745408084, ClinGen allele CA2116562.